The following is an entry in ClinVar:

NM_000465.4(BARD1):c.-23G>A

Genes: BARD1 (BRCA1 associated RING domain 1; minus strand), LOC129935544 (ATAC-STARR-seq lymphoblastoid silent region 12296; plus strand). Cytogenetic location: 2q35.
Variant type: single nucleotide variant.
Coding change: c.-23G>A on transcript NM_000465.4 (MANE Select); 23 bases upstream of the start codon, G replaced by A.
Molecular consequence: 5 prime UTR variant. On other transcripts: non-coding transcript variant (3).
Genome position (GRCh38, 1-based): chr2:214,809,592, C>T on the plus strand (G>A on the coding strand, the complement: BARD1 is on the minus strand). VCF-style: chr2-214809592-C-T. GRCh37 (hg19) VCF-style: chr2-215674316-C-T.
Other names: c.-23G>A (NM_001282543.2, NM_001282545.2, NM_001282548.2 and 1 more transcripts).
Identifiers: ClinVar variation 386540 (VCV000386540.1), dbSNP rs759335451, ClinGen allele CA16604052.

ClinVar aggregate classification (germline): Likely benign (1 of 4 stars; one submission).

Allele frequency attached by ClinVar (database versions not stated): gnomAD 0.00002; TOPMed 0.00001; gnomAD exomes 0.00001.
gnomAD v4.1: 11 of 1,534,000 alleles (0.00072%); highest among the groups gnomAD compares: African/African-American, 0.0041%; no homozygotes.

Submission:

GeneDx
Classification: Likely benign. Last evaluated: 2016-05-23. Review status: criteria provided, single submitter. Criteria: GeneDx Variant Classification (06012015). Collection method: clinical testing. Allele origin: germline. Affected: yes.
Comment: This variant is considered likely benign or benign based on one or more of the following criteria: it is a conservative change, it occurs at a poorly conserved position in the protein, it is predicted to be benign by multiple in silico algorithms, and/or has population frequency not consistent with disease.